The following is an entry in ClinVar:

ClinVar aggregate classification (germline): Uncertain significance (1 of 4 stars; one submission).

Allele frequency attached by ClinVar (database versions not stated): TOPMed 0.00002; gnomAD 0.00003.
gnomAD v4.1: 52 of 1,450,816 alleles (0.0036%); highest among the groups gnomAD compares: Non-Finnish European, 0.0046%; no homozygotes.

Submission:

Labcorp Genetics (formerly Invitae), Labcorp
Classification: Uncertain significance. Last evaluated: 2024-11-18. Review status: criteria provided, single submitter. Criteria: Invitae Variant Classification Sherloc (09022015). Collection method: clinical testing. Allele origin: germline.
Comment: This sequence change replaces arginine, which is basic and polar, with serine, which is neutral and polar, at codon 127 of the DMRT2 protein (p.Arg127Ser). This variant is not present in population databases (gnomAD no frequency). This variant has not been reported in the literature in individuals affected with DMRT2-related conditions. ClinVar contains an entry for this variant (Variation ID: 2711545). An algorithm developed to predict the effect of missense changes on protein structure and function (PolyPhen-2) suggests that this variant is likely to be disruptive. In summary, the available evidence is currently insufficient to determine the role of this variant in disease. Therefore, it has been classified as a Variant of Uncertain Significance.

NM_181872.6(DMRT2):c.379C>A (p.Arg127Ser)

Gene: DMRT2 (doublesex and mab-3 related transcription factor 2; plus strand). Cytogenetic location: 9p24.3.
Variant type: single nucleotide variant.
Coding change: c.379C>A on transcript NM_181872.6 (MANE Select); coding-DNA position 379, C replaced by A.
Protein change: p.Arg127Ser; replaces arginine 127 with serine.
Molecular consequence: missense variant. On other transcripts: 5 prime UTR variant (1), non-coding transcript variant (1).
Genome position (GRCh38, 1-based): chr9:1,051,992, C>A. VCF-style: chr9-1051992-C-A. GRCh37 (hg19) VCF-style: chr9-1051992-C-A.
Other names: c.379C>A, p.Arg127Ser (NM_001130865.3, NM_001370531.1, NM_001370533.1 and 4 more transcripts); c.-272C>A (NM_001370532.1); short protein forms R127S.
Identifiers: ClinVar variation 2711545 (VCV002711545.3), dbSNP rs974583423, ClinGen allele CA187867407.